The following is an entry in ClinVar:

ClinVar aggregate classification (germline): Uncertain significance. Review status: criteria provided, multiple submitters, no conflicts (2 of 4 stars). 2 submissions from 2 submitters: Uncertain significance (2). Last evaluated 2023-05-01.

Conditions:
Intellectual developmental disorder, X-linked 90. Also called: DLG3-Related X-Linked Nonsyndromic Mental Retardation; Intellectual disability, X-linked 90. Identifiers: Orphanet 777, MedGen C3275443, MONDO:0010452, OMIM 300850.

Submissions (2):

CeGaT Center for Human Genetics Tuebingen
Classification: Uncertain significance. Last evaluated: 2023-05-01. Review status: criteria provided, single submitter. Criteria: CeGaT Center For Human Genetics Tuebingen Variant Classification Criteria Version 2. Collection method: clinical testing. Allele origin: germline. Affected: yes. Observed: 1 variant allele.
Comment: DLG3: PM2

Institute for Medical Genetics and Human Genetics, Charité - Universitätsmedizin Berlin
Classification: Uncertain significance for Intellectual developmental disorder, X-linked 90. Review status: criteria provided, single submitter. Criteria: ACMG Guidelines, 2015. Collection method: not provided. Allele origin: germline. Inheritance: X-linked inheritance. Affected: yes.

NM_021120.4(DLG3):c.2252T>A (p.Leu751His)

Gene: DLG3 (discs large MAGUK scaffold protein 3; plus strand). Cytogenetic location: Xq13.1.
Variant type: single nucleotide variant.
Coding change: c.2252T>A on transcript NM_021120.4 (MANE Select); coding-DNA position 2252, T replaced by A.
Protein change: p.Leu751His; replaces leucine 751 with histidine.
Molecular consequence: missense variant.
Genome position (GRCh38, 1-based): chrX:70,500,577, T>A. VCF-style: chrX-70500577-T-A. GRCh37 (hg19) VCF-style: chrX-69720427-T-A.
Other names: c.899T>A, p.Leu300His (NM_001166278.2); c.1337T>A, p.Leu446His (NM_020730.3); short protein forms L300H, L446H, L751H.
Identifiers: ClinVar variation 2660827 (VCV002660827.25), dbSNP rs2519891863, ClinGen allele CA413461313.
Genomic context (GRCh38, chrX:70,500,577, plus strand): 5'-TGCAGCAAGCACAACTTTACCCCATTGCCATTTTCATCAAGCCCAAGTCCATTGAAGCCC[T>A]TATGTAAGTGTTGAACTGAGAACTCAGACACACCAAGCTAAGATCGGGTCTGGAAGGGAA-3'
Protein context (NP_066943.2, residues 741-761): IFIKPKSIEA[Leu751His]MEMNRRQTYE